The following is an entry in ClinVar:

ClinVar aggregate classification (germline): Uncertain significance (1 of 4 stars; one submission).

Conditions:
Dilated cardiomyopathy 1R (CMD1R). Identifiers: Orphanet 154, Orphanet 54260, MedGen C3150681, MONDO:0013261, OMIM 613424.
Atrial septal defect 5 (ASD5). Identifiers: Orphanet 1478, MedGen C2748552, MONDO:0013011, OMIM 612794.
Hypertrophic cardiomyopathy 11. Also called: ACTC1-Related Familial Hypertrophic Cardiomyopathy. Identifiers: MedGen C2677506, MONDO:0012799, OMIM 612098.

Submission:

Labcorp Genetics (formerly Invitae), Labcorp
Classification: Uncertain significance for Dilated cardiomyopathy 1R; Hypertrophic cardiomyopathy 11; Atrial septal defect 5. Last evaluated: 2022-09-19. Review status: criteria provided, single submitter. Criteria: Invitae Variant Classification Sherloc (09022015). Collection method: clinical testing. Allele origin: germline.
Comment: This variant has not been reported in the literature in individuals affected with ACTC1-related conditions. This variant is not present in population databases (gnomAD no frequency). This sequence change replaces arginine, which is basic and polar, with histidine, which is basic and polar, at codon 97 of the ACTC1 protein (p.Arg97His). Advanced modeling of protein sequence and biophysical properties (such as structural, functional, and spatial information, amino acid conservation, physicochemical variation, residue mobility, and thermodynamic stability) performed at Invitae indicates that this missense variant is not expected to disrupt ACTC1 protein function. In summary, the available evidence is currently insufficient to determine the role of this variant in disease. Therefore, it has been classified as a Variant of Uncertain Significance.

NM_005159.5(ACTC1):c.290G>A (p.Arg97His)

Genes: GJD2-DT (GJD2 divergent transcript; plus strand), ACTC1 (actin alpha cardiac muscle 1; minus strand). Cytogenetic location: 15q14.
Variant type: single nucleotide variant.
Coding change: c.290G>A on transcript NM_005159.5 (MANE Select); coding-DNA position 290, G replaced by A.
Protein change: p.Arg97His; replaces arginine 97 with histidine.
Molecular consequence: missense variant.
Genome position (GRCh38, 1-based): chr15:34,793,409, C>T on the plus strand (G>A on the coding strand, the complement: ACTC1 is on the minus strand). VCF-style: chr15-34793409-C-T. GRCh37 (hg19) VCF-style: chr15-35085610-C-T.
Other names: c.290G>A, p.Arg97His (NM_001406482.1, NM_001406483.1); c.155G>A, p.Arg52His (NM_001406484.1); c.-99G>A (NM_001406485.1); short protein forms R52H, R97H.
Identifiers: ClinVar variation 1719755 (VCV001719755.5), dbSNP rs2504182967, ClinGen allele CA391631559.